The following is an entry in ClinVar:

NC_000023.11:g.(?_100296257)_(100342095_?)del

Gene: PCDH19 (protocadherin 19; minus strand). Cytogenetic location: Xq22.1.
Variant type: Deletion.
Identifiers: ClinVar variation 665028 (VCV000665028.7).

ClinVar aggregate classification (germline): Pathogenic (1 of 4 stars; one submission).

Conditions:
Developmental and epileptic encephalopathy, 9 (DEE9). Also called: PCDH19-Related X-Linked Female-Limited Epilepsy with Mental Retardation; JUBERG-HELLMAN SYNDROME; Early infantile epileptic encephalopathy 9; EPILEPSY, FEMALE-RESTRICTED, WITH MENTAL RETARDATION. Identifiers: Orphanet 101039, Orphanet 2076, MedGen C1848137, MONDO:0010246, OMIM 300088. Disease mechanism: loss of function.

Submission:

Labcorp Genetics (formerly Invitae), Labcorp
Classification: Pathogenic for Developmental and epileptic encephalopathy, 9. Last evaluated: 2022-02-10. Review status: criteria provided, single submitter. Criteria: Invitae Variant Classification Sherloc (09022015). Collection method: clinical testing. Allele origin: germline.
Comment: This variant is a gross deletion of the genomic region encompassing exon(s) 5-6 of the PCDH19 gene, which includes the termination codon. This deletion extends beyond the assayed region for this gene and therefore may encompass additional genes. While this deletion is not anticipated to lead to nonsense mediated decay, it is expected to alter mRNA translation or result in a truncated protein product. This variant has not been reported in the literature in individuals affected with PCDH19-related conditions. This variant disrupts a region of the PCDH19 protein in which other variant(s) (Deletion (Exon 6)) have been determined to be pathogenic (PMID: 30828795; Invitae). This suggests that this is a clinically significant region of the protein, and that variants that disrupt it are likely to be disease-causing. For these reasons, this variant has been classified as Pathogenic.

Literature cited by the submitters: PubMed 30828795.